The following is an entry in ClinVar:

NM_024753.5(TTC21B):c.3368G>C (p.Arg1123Pro)

Gene: TTC21B (tetratricopeptide repeat domain 21B; minus strand). Cytogenetic location: 2q24.3.
Variant type: single nucleotide variant.
Coding change: c.3368G>C on transcript NM_024753.5 (MANE Select); coding-DNA position 3368, G replaced by C.
Protein change: p.Arg1123Pro; replaces arginine 1123 with proline.
Molecular consequence: missense variant.
Genome position (GRCh38, 1-based): chr2:165,888,370, C>G on the plus strand (G>C on the coding strand, the complement: TTC21B is on the minus strand). VCF-style: chr2-165888370-C-G. GRCh37 (hg19) VCF-style: chr2-166744880-C-G.
Other names: short protein forms R1123P.
Identifiers: ClinVar variation 1302144 (VCV001302144.2), dbSNP rs773696688, ClinGen allele CA349047583.

ClinVar aggregate classification (germline): Uncertain significance (1 of 4 stars; one submission).

Submission:

GeneDx
Classification: Uncertain significance. Last evaluated: 2019-05-13. Review status: criteria provided, single submitter. Criteria: GeneDx Variant Classification Process June 2021. Collection method: clinical testing. Allele origin: germline. Affected: yes.
Comment: Not observed in large population cohorts (Lek et al., 2016); In silico analysis, which includes protein predictors and evolutionary conservation, supports a deleterious effect; Has not been previously published as pathogenic or benign to our knowledge